The following is an entry in ClinVar:

ClinVar aggregate classification (germline): Conflicting classifications of pathogenicity. Review status: criteria provided, conflicting classifications (1 of 4 stars). 2 submissions from 2 submitters: Uncertain significance (1); Likely benign (1). Last evaluated 2025-09-10.

Conditions:
Inborn genetic diseases. Identifiers: MedGen C0950123, MeSH D030342.

Allele frequency attached by ClinVar (database versions not stated): TOPMed below 0.00001; ExAC 0.00003; 1000 Genomes Project 30x 0.00016; 1000 Genomes Project 0.00020; gnomAD exomes 0.00001; gnomAD 0.00001.
gnomAD v4.1: 9 of 1,614,096 alleles (0.00056%); highest among the groups gnomAD compares: East Asian, 0.018%; no homozygotes.

Submissions (2):

Labcorp Genetics (formerly Invitae), Labcorp
Classification: Uncertain significance. Last evaluated: 2025-09-10. Review status: criteria provided, single submitter. Criteria: Invitae Variant Classification Sherloc (09022015). Collection method: clinical testing. Allele origin: germline.
Comment: This sequence change replaces isoleucine, which is neutral and non-polar, with valine, which is neutral and non-polar, at codon 559 of the EFTUD2 protein (p.Ile559Val). This variant is present in population databases (rs567375948, gnomAD 0.04%). This variant has not been reported in the literature in individuals affected with EFTUD2-related conditions. ClinVar contains an entry for this variant (Variation ID: 3087611). Invitae Evidence Modeling of protein sequence and biophysical properties (such as structural, functional, and spatial information, amino acid conservation, physicochemical variation, residue mobility, and thermodynamic stability) indicates that this missense variant is not expected to disrupt EFTUD2 protein function with a negative predictive value of 80%. In summary, the available evidence is currently insufficient to determine the role of this variant in disease. Therefore, it has been classified as a Variant of Uncertain Significance.

Ambry Genetics
Classification: Likely benign for Inborn genetic diseases. Last evaluated: 2024-01-02. Review status: criteria provided, single submitter. Criteria: Ambry Variant Classification Scheme 2023. Collection method: clinical testing. Allele origin: germline.

NM_004247.4(EFTUD2):c.1675A>G (p.Ile559Val)

Gene: EFTUD2 (elongation factor Tu GTP binding domain containing 2; minus strand). Cytogenetic location: 17q21.31.
Variant type: single nucleotide variant.
Coding change: c.1675A>G on transcript NM_004247.4 (MANE Select); coding-DNA position 1675, A replaced by G.
Protein change: p.Ile559Val; replaces isoleucine 559 with valine.
Molecular consequence: missense variant.
Genome position (GRCh38, 1-based): chr17:44,860,476, T>C on the plus strand (A>G on the coding strand, the complement: EFTUD2 is on the minus strand). VCF-style: chr17-44860476-T-C. GRCh37 (hg19) VCF-style: chr17-42937844-T-C.
Other names: c.1570A>G, p.Ile524Val (NM_001142605.2); c.1675A>G, p.Ile559Val (NM_001258353.2); c.1645A>G, p.Ile549Val (NM_001258354.2); short protein forms I524V, I549V, I559V.
Identifiers: ClinVar variation 3087611 (VCV003087611.2), dbSNP rs567375948, ClinGen allele CA8607713.